The following is an entry in ClinVar:

ClinVar aggregate classification (germline): Conflicting classifications of pathogenicity. Review status: criteria provided, conflicting classifications (1 of 4 stars). 4 submissions from 4 submitters: Uncertain significance (2); Likely benign (2). Last evaluated 2025-12-02.

Conditions:
Atrial fibrillation, familial, 7 (ATFB7). Identifiers: MedGen C2677106, MONDO:0012828, OMIM 612240.

Allele frequency attached by ClinVar (database versions not stated): gnomAD exomes 0.00008 and 0.00014; TOPMed 0.00014; gnomAD 0.00015 and 0.00016; ExAC 0.00017.

Submissions (4):

Labcorp Genetics (formerly Invitae), Labcorp
Classification: Likely benign for Atrial fibrillation, familial, 7. Last evaluated: 2025-12-02. Review status: criteria provided, single submitter. Criteria: Invitae Variant Classification Sherloc (09022015). Collection method: clinical testing. Allele origin: germline.

Blueprint Genetics
Classification: Likely benign. Last evaluated: 2024-11-05. Review status: criteria provided, single submitter. Criteria: ACMG Guidelines, 2015. Collection method: clinical testing. Allele origin: germline.

GeneDx
Classification: Uncertain significance. Last evaluated: 2022-11-22. Review status: criteria provided, single submitter. Criteria: GeneDx Variant Classification Process June 2021. Collection method: clinical testing. Allele origin: germline. Affected: yes.
Comment: Subcellular localization studies demonstrated no significant differences between G558R and the wildtype (Christophersen et al., 2013); In silico analysis supports that this missense variant does not alter protein structure/function; This variant is associated with the following publications: (PMID: 23264583)

Illumina Laboratory Services, Illumina
Classification: Uncertain significance for Atrial fibrillation, familial, 7. Last evaluated: 2017-04-27. Review status: criteria provided, single submitter. Criteria: ICSL Variant Classification Criteria 13 December 2019. Collection method: clinical testing. Allele origin: germline.
Comment: This variant was observed as part of a predisposition screen in an ostensibly healthy population. A literature search was performed for the gene, cDNA change, and amino acid change (where applicable). Publications were found based on this search. However, the evidence from the literature, in combination with allele frequency data from public databases where available, was not sufficient to rule this variant in or out of causing disease. Therefore, this variant is classified as a variant of unknown significance.

Literature cited by the submitters: PubMed 23264583 (cited by Illumina Laboratory Services, Illumina).

NM_002234.4(KCNA5):c.1672G>A (p.Gly558Arg)

Gene: KCNA5 (potassium voltage-gated channel subfamily A member 5; plus strand). Cytogenetic location: 12p13.32.
Variant type: single nucleotide variant.
Coding change: c.1672G>A on transcript NM_002234.4 (MANE Select); coding-DNA position 1672, G replaced by A.
Protein change: p.Gly558Arg; replaces glycine 558 with arginine.
Molecular consequence: missense variant.
Genome position (GRCh38, 1-based): chr12:5,045,819, G>A. VCF-style: chr12-5045819-G-A. GRCh37 (hg19) VCF-style: chr12-5154985-G-A.
Other names: short protein forms G558R.
Identifiers: ClinVar variation 469587 (VCV000469587.18), dbSNP rs201328038, ClinGen allele CA6399920.
Genomic context (GRCh38, chr12:5,045,819, plus strand): 5'-GAGCAGGGCACTCAGAGCCAGGGGCCGGGGCTGGACAGAGGAGTCCAGCGGAAGGTCAGC[G>A]GGAGCAGGGGATCCTTCTGCAAGGCTGGGGGGACCCTGGAGAATGCAGACAGTGCCCGAA-3'
Protein context (NP_002225.2, residues 548-568): LDRGVQRKVS[Gly558Arg]SRGSFCKAGG